The following is an entry in ClinVar:

ClinVar aggregate classification (germline): Pathogenic (1 of 4 stars; one submission).

Conditions:
Joubert syndrome. Also called: CEREBELLOPARENCHYMAL DISORDER IV; JOUBERT-BOLTSHAUSER SYNDROME; Familial aplasia of the vermis. Identifiers: Orphanet 475, MedGen C5979921, MONDO:0018772.
Meckel-Gruber syndrome. Also called: DYSENCEPHALIA SPLANCHNOCYSTICA; GRUBER SYNDROME; Dysencephalia splachnocystica. Identifiers: Orphanet 564, MedGen C0265215, MONDO:0018921.

Allele frequency attached by ClinVar (database versions not stated): gnomAD exomes below 0.00001.

Submission:

Labcorp Genetics (formerly Invitae), Labcorp
Classification: Pathogenic for Joubert syndrome; Meckel-Gruber syndrome. Last evaluated: 2023-01-01. Review status: criteria provided, single submitter. Criteria: Invitae Variant Classification Sherloc (09022015). Collection method: clinical testing. Allele origin: germline.
Comment: For these reasons, this variant has been classified as Pathogenic. This variant has not been reported in the literature in individuals affected with TCTN1-related conditions. This variant is not present in population databases (gnomAD no frequency). This sequence change creates a premature translational stop signal (p.Val321Glyfs*7) in the TCTN1 gene. It is expected to result in an absent or disrupted protein product. Loss-of-function variants in TCTN1 are known to be pathogenic (PMID: 21725307, 22693042, 27894351).

Literature cited by the submitters: PubMed 21725307; PubMed 22693042; PubMed 27894351.

NM_001082538.3(TCTN1):c.962del (p.Val321fs)

Gene: TCTN1 (tectonic family member 1; plus strand). Cytogenetic location: 12q24.11.
Variant type: Deletion.
Coding change: c.962del on transcript NM_001082538.3 (MANE Select); coding-DNA position 962, one base deleted (T; older notation c.962delT).
Protein change: p.Val321fs; shifts the reading frame from valine 321.
Molecular consequence: frameshift variant. On other transcripts: non-coding transcript variant (1).
Genome position (GRCh38, 1-based): chr12:110,640,501, T deleted. VCF-style (leftmost placement, unchanged base first): chr12-110640500-GT-G. GRCh37 (hg19) VCF-style: chr12-111078305-GT-G.
Other names: c.962del, p.Val321fs (NM_001082537.3, NM_001319680.2); c.794del, p.Val265fs (NM_001173975.3); c.782del, p.Val261fs (NM_001173976.2); c.428del, p.Val143fs (NM_001319681.2); c.920del, p.Val307fs (NM_024549.6); short protein forms V143fs, V261fs, V265fs, V307fs, V321fs.
Identifiers: ClinVar variation 2942895 (VCV002942895.3), dbSNP rs2548901989, ClinGen allele CA2620898927.
Genomic context (GRCh38, chr12:110,640,500, plus strand): 5'-CGGGAGGACACTGATGTGCTGCAGCCGACTCTCGTCAACGCTGGACACTTTAGCCTTTGC[GT>G]GAATGTTGTTCTTGAGGTAGGTGCCGAGTTTGGCTTTGAGAGCTTGTCTGTGGCAGACTT-3'